The following is an entry in ClinVar:

ClinVar aggregate classification (germline): Uncertain significance (1 of 4 stars; one submission).

Conditions:
RYR1-related disorder. Also called: RYR1-related condition; RYR1-related disorders. Identifiers: MedGen CN239331.

Allele frequency attached by ClinVar (database versions not stated): gnomAD 0.00001.
gnomAD v4.1: 9 of 1,613,938 alleles (0.00056%); highest among the groups gnomAD compares: East Asian, 0.0045%; no homozygotes.

Submission:

Labcorp Genetics (formerly Invitae), Labcorp
Classification: Uncertain significance for RYR1-related disorder. Last evaluated: 2024-06-15. Review status: criteria provided, single submitter. Criteria: Invitae Variant Classification Sherloc (09022015). Collection method: clinical testing. Allele origin: germline.
Comment: This sequence change replaces arginine, which is basic and polar, with histidine, which is basic and polar, at codon 757 of the RYR1 protein (p.Arg757His). This variant is not present in population databases (gnomAD no frequency). This variant has not been reported in the literature in individuals affected with RYR1-related conditions. ClinVar contains an entry for this variant (Variation ID: 2037336). Advanced modeling of protein sequence and biophysical properties (such as structural, functional, and spatial information, amino acid conservation, physicochemical variation, residue mobility, and thermodynamic stability) has been performed at Invitae for this missense variant, however the output from this modeling did not meet the statistical confidence thresholds required to predict the impact of this variant on RYR1 protein function. In summary, the available evidence is currently insufficient to determine the role of this variant in disease. Therefore, it has been classified as a Variant of Uncertain Significance.

NM_000540.3(RYR1):c.2270G>A (p.Arg757His)

Gene: RYR1 (ryanodine receptor 1; plus strand). Cytogenetic location: 19q13.2.
Variant type: single nucleotide variant.
Coding change: c.2270G>A on transcript NM_000540.3 (MANE Select); coding-DNA position 2270, G replaced by A.
Protein change: p.Arg757His; replaces arginine 757 with histidine.
Molecular consequence: missense variant.
Genome position (GRCh38, 1-based): chr19:38,459,248, G>A. VCF-style: chr19-38459248-G-A. GRCh37 (hg19) VCF-style: chr19-38949888-G-A.
Other names: c.2270G>A, p.Arg757His (NM_001042723.2); short protein forms R757H.
Identifiers: ClinVar variation 2037336 (VCV002037336.3), dbSNP rs929824581, ClinGen allele CA405627914.